The following is an entry in ClinVar:

NM_005378.6(MYCN):c.794A>G (p.Asp265Gly)

Gene: MYCN (MYCN proto-oncogene, bHLH transcription factor; plus strand). Cytogenetic location: 2p24.3.
Variant type: single nucleotide variant.
Coding change: c.794A>G on transcript NM_005378.6 (MANE Select); coding-DNA position 794, A replaced by G.
Protein change: p.Asp265Gly; replaces aspartic acid 265 with glycine.
Molecular consequence: missense variant. On other transcripts: 3 prime UTR variant (1).
Genome position (GRCh38, 1-based): chr2:15,945,496, A>G. VCF-style: chr2-15945496-A-G. GRCh37 (hg19) VCF-style: chr2-16085618-A-G.
Other names: c.794A>G, p.Asp265Gly (NM_001293228.2); c.161A>G, p.Asp54Gly (NM_001293231.2); c.*729A>G (NM_001293233.2); short protein forms D265G, D54G.
Identifiers: ClinVar variation 2788480 (VCV002788480.3), dbSNP rs751108330, ClinGen allele CA1538245.
Genomic context (GRCh38, chr2:15,945,496, plus strand): 5'-TATGTGAATTTCATTCAAATGGTTCTCACATGAGAGTAACTAGCATCTTTCTCTCAGATG[A>G]TGAAGATGATGAAGAGGAAGATGAAGAGGAAGAAATCGACGTGGTCACTGTGGAGAAGCG-3'
Protein context (NP_005369.2, residues 255-275): SGEDTLSDSD[Asp265Gly]EDDEEEDEEE

ClinVar aggregate classification (germline): Uncertain significance (1 of 4 stars; one submission).

Allele frequency attached by ClinVar (database versions not stated): TOPMed below 0.00001; gnomAD 0.00001; gnomAD exomes 0.00001; ExAC 0.00004.
gnomAD v4.1: 10 of 1,605,246 alleles (0.00062%); highest among the groups gnomAD compares: East Asian, 0.0022%; no homozygotes.

Submission:

Labcorp Genetics (formerly Invitae), Labcorp
Classification: Uncertain significance. Last evaluated: 2025-01-16. Review status: criteria provided, single submitter. Criteria: Invitae Variant Classification Sherloc (09022015). Collection method: clinical testing. Allele origin: germline.
Comment: This sequence change replaces aspartic acid, which is acidic and polar, with glycine, which is neutral and non-polar, at codon 265 of the MYCN protein (p.Asp265Gly). This variant is present in population databases (rs751108330, gnomAD 0.002%). This variant has not been reported in the literature in individuals affected with MYCN-related conditions. ClinVar contains an entry for this variant (Variation ID: 2788480). Invitae Evidence Modeling of protein sequence and biophysical properties (such as structural, functional, and spatial information, amino acid conservation, physicochemical variation, residue mobility, and thermodynamic stability) indicates that this missense variant is not expected to disrupt MYCN protein function with a negative predictive value of 95%. In summary, the available evidence is currently insufficient to determine the role of this variant in disease. Therefore, it has been classified as a Variant of Uncertain Significance.